The following is an entry in ClinVar:

ClinVar aggregate classification (germline): Likely pathogenic (1 of 4 stars; one submission).

Conditions:
Episodic ataxia type 1 (EA1). Also called: Episodic ataxia/myokymia syndrome; ATAXIA, EPISODIC, WITH MYOKYMIA; MYOKYMIA WITH PERIODIC ATAXIA; PAROXYSMAL ATAXIA WITH NEUROMYOTONIA, HEREDITARY. Identifiers: Orphanet 37612, Orphanet 972, MedGen C1719788, MONDO:0008047, OMIM 160120.

Submission:

Dasa
Classification: Likely pathogenic for Episodic ataxia type 1. Last evaluated: 2024-10-16. Review status: criteria provided, single submitter. Criteria: DASA Assertion Criteria. Collection method: clinical testing. Allele origin: germline.
Comment: NM_000217.3(KCNA1):c.1112C>T (p.Thr371Ile) is a missense variant that results in the substitution of threonine with isoleucine. The affected residue or protein region has prior evidence supporting clinical relevance. Published studies describe this variant in association with related phenotype (PMID: 38570113; PMID: 38951973; PMID: 32316562). Also, this variant is rare in population databases. Computational evidence supports a deleterious effect. Based on the currently available evidence, this variant is classified as likely pathogenic.

Literature cited by the submitters: PubMed 38570113; PubMed 38951973; PubMed 32316562.

NM_000217.3(KCNA1):c.1112C>T (p.Thr371Ile)

Gene: KCNA1 (potassium voltage-gated channel subfamily A member 1; plus strand). Cytogenetic location: 12p13.32.
Variant type: single nucleotide variant.
Coding change: c.1112C>T on transcript NM_000217.3 (MANE Select); coding-DNA position 1112, C replaced by T.
Protein change: p.Thr371Ile; replaces threonine 371 with isoleucine.
Molecular consequence: missense variant.
Genome position (GRCh38, 1-based): chr12:4,912,490, C>T. VCF-style: chr12-4912490-C-T. GRCh37 (hg19) VCF-style: chr12-5021656-C-T.
Other names: short protein forms T371I.
Identifiers: ClinVar variation 4883414 (VCV004883414.2).